The following is an entry in ClinVar:

ClinVar aggregate classification (germline): Uncertain significance (1 of 4 stars; one submission).

Submission:

Women's Health and Genetics/Laboratory Corporation of America, LabCorp
Classification: Uncertain significance. Last evaluated: 2019-07-19. Review status: criteria provided, single submitter. Criteria: LabCorp Variant Classification Summary - May 2015. Collection method: clinical testing. Allele origin: germline.
Comment: Variant summary: DYRK1A c.665-8_665-3delTCTTTC alters a non-conserved nucleotide located close to a canonical splice site and therefore could affect mRNA splicing, leading to a significantly altered protein sequence. Several computational tools predict a significant impact on normal splicing: two predict the variant abolishes a 3' acceptor site, while three predict the variant weakens a 3' acceptor site. However, these predictions have yet to be confirmed by functional studies. The variant was absent in 245400 control chromosomes (gnomAD). The available data on variant occurrences in the general population are insufficient to allow any conclusion about variant significance. c.665-8_665-3delTCTTTC has been reported in the literature as a de novo mutation in an individual affected with DYRK1A-related disease (Earl_2017). Additionally, a nearby variant was also reported in the literature (PMID: 25707398), as well as by a clinical lab via ClinVar (c.665-9_665-5delCTCTT), both patients as a de novo mutation, and Invitae classifies this variant as pathogenic. To our knowledge, no experimental evidence demonstrating an impact on protein function has been reported. No clinical diagnostic laboratories have submitted clinical-significance assessments for this variant to ClinVar after 2014. Based on the evidence outlined above, the variant was classified as a VUS - possibly pathogenic variant.

Literature cited by the submitters: PubMed 29034068.

NM_001347721.2(DYRK1A):c.638-8_638-3del

Gene: DYRK1A (dual specificity tyrosine phosphorylation regulated kinase 1A; plus strand). Cytogenetic location: 21q22.13.
Variant type: Deletion.
Coding change: c.638-8_638-3del on transcript NM_001347721.2 (MANE Select); 8 bases into the intron before coding-DNA position 638 through 3 bases into the intron before coding-DNA position 638, 6 bases deleted (TCTTTC; older notation c.638-8_638-3delTCTTTC).
Molecular consequence: intron variant.
Genome position (GRCh38, 1-based): chr21:37,490,167-37,490,172, TCTTTC deleted; deleting any 6 consecutive bases within chr21:37,490,163-37,490,172 gives the same sequence; the c. name uses the placement nearest the transcript's 3' end. VCF-style (leftmost placement, unchanged base first): chr21-37490162-TTTTCTC-T. GRCh37 (hg19) VCF-style: chr21-38862464-TTTTCTC-T.
Other names: c.665-8_665-3del (NM_001396.5, NM_101395.2, NM_130438.2); c.638-8_638-3del (NM_001347722.2, NM_130436.2); c.551-8_551-3del (NM_001347723.2).
Identifiers: ClinVar variation 929169 (VCV000929169.1), dbSNP rs2053033529, ClinGen allele CA1139666871.